The following is an entry in ClinVar:

NM_003002.4(SDHD):c.438T>C (p.Asp146=)

Gene: SDHD (succinate dehydrogenase complex subunit D; plus strand). Cytogenetic location: 11q23.1.
Variant type: single nucleotide variant.
Coding change: c.438T>C on transcript NM_003002.4 (MANE Select); coding-DNA position 438, T replaced by C.
Protein change: p.Asp146=; no amino-acid change (aspartic acid 146 retained).
Molecular consequence: synonymous variant. On other transcripts: 3 prime UTR variant (2), non-coding transcript variant (1).
Genome position (GRCh38, 1-based): chr11:112,094,928, T>C. VCF-style: chr11-112094928-T-C. GRCh37 (hg19) VCF-style: chr11-111965652-T-C.
Other names: c.*35T>C (NM_001276503.2); c.321T>C, p.Asp107= (NM_001276504.2); c.*136T>C (NM_001276506.2).
Identifiers: ClinVar variation 480867 (VCV000480867.24), dbSNP rs201328474, ClinGen allele CA071414.

ClinVar aggregate classification (germline): Benign/Likely benign. Review status: criteria provided, multiple submitters, no conflicts (2 of 4 stars). 7 submissions from 7 submitters: Benign (2); Likely benign (5). Last evaluated 2026-06-01.

Conditions:
Hereditary pheochromocytoma and paraganglioma. Also called: Hereditary Paraganglioma-Pheochromocytoma Syndromes; Hereditary paragangliomas and pheochromocytomas; Hereditary pheochromocytoma-paraganglioma. Identifiers: Orphanet 29072, MedGen C4274332, MONDO:0017366.
Carney-Stratakis syndrome. Also called: PARAGANGLIOMA AND GASTROINTESTINAL STROMAL TUMOR. Identifiers: Orphanet 97286, MedGen C1847319, MONDO:0011740, OMIM 606864.
Pheochromocytoma. Also called: MAX-Related Hereditary Paraganglioma-Pheochromocytoma Syndrome. Identifiers: Orphanet 29072, MedGen C0031511, MONDO:0008233, OMIM 171300, HP:0002666.
Cowden syndrome 3 (CWS3). Identifiers: Orphanet 201, MedGen CN166604, MONDO:0014045.
Paragangliomas with sensorineural hearing loss. Identifiers: MedGen C1868633.
Pheochromocytoma/paraganglioma syndrome 1. Also called: PARAGANGLIOMAS, FAMILIAL NONCHROMAFFIN, 1; PGL 1; Paragangliomas familial 1; PARAGANGLIOMATA; Paragangliomas 1; Glomus tumors familial 1. Identifiers: Orphanet 29072, MedGen C3494181, MONDO:0008192, OMIM 168000.
Hereditary cancer-predisposing syndrome. Also called: Hereditary neoplastic syndrome; Tumor predisposition; Neoplastic Syndromes, Hereditary; Hereditary Cancer Syndrome. Identifiers: Orphanet 140162, MedGen C0027672, MeSH D009386, MONDO:0015356.

Allele frequency attached by ClinVar (database versions not stated): gnomAD 0.00001 and 0.00002; gnomAD exomes 0.00002; TOPMed 0.00002; ExAC 0.00003.

Submissions (7):

CeGaT Center for Human Genetics Tuebingen
Classification: Likely benign. Last evaluated: 2026-06-01. Review status: criteria provided, single submitter. Criteria: CeGaT Center For Human Genetics Tuebingen Variant Classification Criteria Version 2. Collection method: clinical testing. Allele origin: germline. Affected: yes. Observed: 1 variant allele.
Comment: SDHD: BP4, BP7

Labcorp Genetics (formerly Invitae), Labcorp
Classification: Likely benign for Carney-Stratakis syndrome; Paragangliomas with sensorineural hearing loss; Pheochromocytoma; Cowden syndrome 3. Last evaluated: 2026-01-30. Review status: criteria provided, single submitter. Criteria: Invitae Variant Classification Sherloc (09022015). Collection method: clinical testing. Allele origin: germline.

Myriad Genetics, Inc.
Classification: Benign for Pheochromocytoma/paraganglioma syndrome 1. Last evaluated: 2025-03-18. Review status: criteria provided, single submitter. Criteria: Myriad Autosomal Dominant, Autosomal Recessive and X-Linked Classification Criteria (2023). Collection method: clinical testing. Allele origin: unknown.
Comment: This variant is considered benign. This variant is a silent/synonymous amino acid change and it is not expected to impact splicing.

All of Us Research Program, National Institutes of Health
Classification: Likely benign for Hereditary pheochromocytoma and paraganglioma. Last evaluated: 2024-09-12. Review status: criteria provided, single submitter. Criteria: ACMG Guidelines, 2015. Collection method: clinical testing. Allele origin: germline. Inheritance: Autosomal dominant inheritance. Observed: 3 variant alleles, 3 heterozygotes.
Comment: This study involves interpretation of variants in research participants for the purpose of population health screening. Participant phenotype was not available at the time of variant classification. Additional details can be found in publication PMID: 35346344, PMCID: PMC8962531

Color Diagnostics, LLC DBA Color Health
Classification: Likely benign for Hereditary pheochromocytoma and paraganglioma. Last evaluated: 2024-07-02. Review status: criteria provided, single submitter. Criteria: ACMG Guidelines, 2015. Collection method: clinical testing. Allele origin: germline.

Quest Diagnostics Nichols Institute San Juan Capistrano
Classification: Benign. Last evaluated: 2020-01-08. Review status: criteria provided, single submitter. Criteria: Quest Diagnostics criteria. Collection method: clinical testing. Allele origin: unknown.

Ambry Genetics
Classification: Likely benign for Hereditary cancer-predisposing syndrome. Last evaluated: 2016-04-26. Review status: criteria provided, single submitter. Criteria: Ambry Variant Classification Scheme 2023. Collection method: clinical testing. Allele origin: germline.